The following is an entry in ClinVar:

ClinVar aggregate classification (germline): Likely benign (1 of 4 stars; one submission).

gnomAD v4.1: 2 of 1,121,058 alleles (0.00018%); highest among the groups gnomAD compares: Non-Finnish European, 0.00022%; no homozygotes.

Submission:

CeGaT Center for Human Genetics Tuebingen
Classification: Likely benign. Last evaluated: 2022-04-01. Review status: criteria provided, single submitter. Criteria: CeGaT Center For Human Genetics Tuebingen Variant Classification Criteria Version 2. Collection method: clinical testing. Allele origin: germline. Affected: yes. Observed: 1 variant allele.
Comment: CHSY1: BP4, BP7

NM_014918.5(CHSY1):c.37C>T (p.Leu13=)

Genes: CHSY1 (chondroitin sulfate synthase 1; minus strand), LOC130058068 (ATAC-STARR-seq lymphoblastoid silent region 6885; plus strand). Cytogenetic location: 15q26.3.
Variant type: single nucleotide variant.
Coding change: c.37C>T on transcript NM_014918.5 (MANE Select); coding-DNA position 37, C replaced by T.
Protein change: p.Leu13=; no amino-acid change (leucine 13 retained).
Molecular consequence: synonymous variant.
Genome position (GRCh38, 1-based): chr15:101,251,420, G>A on the plus strand (C>T on the coding strand, the complement: CHSY1 is on the minus strand). VCF-style: chr15-101251420-G-A. GRCh37 (hg19) VCF-style: chr15-101791625-G-A.
Identifiers: ClinVar variation 2645753 (VCV002645753.24), dbSNP rs1381739127, ClinGen allele CA492706376.